The following is an entry in ClinVar:

ClinVar aggregate classification (germline): Uncertain significance (1 of 4 stars; one submission).

Submission:

GeneDx
Classification: Uncertain significance. Last evaluated: 2023-07-10. Review status: criteria provided, single submitter. Criteria: GeneDx Variant Classification Process June 2021. Collection method: clinical testing. Allele origin: germline. Affected: yes.
Comment: Not observed at significant frequency in large population cohorts (gnomAD); Missense variants in this gene are often considered pathogenic (HGMD); In silico analysis supports that this missense variant has a deleterious effect on protein structure/function; Has not been previously published as pathogenic or benign to our knowledge; This substitution is predicted to be within the transmembrane segment S6 of the third homologous domain

NM_001165963.4(SCN1A):c.4400T>C (p.Ile1467Thr)

Genes: SCN1A (sodium voltage-gated channel alpha subunit 1; minus strand), LOC102724058 (uncharacterized LOC102724058; plus strand). Cytogenetic location: 2q24.3.
Variant type: single nucleotide variant.
Coding change: c.4400T>C on transcript NM_001165963.4 (MANE Select); coding-DNA position 4400, T replaced by C.
Protein change: p.Ile1467Thr; replaces isoleucine 1467 with threonine.
Molecular consequence: missense variant. On other transcripts: non-coding transcript variant (1).
Genome position (GRCh38, 1-based): chr2:165,998,114, A>G on the plus strand (T>C on the coding strand, the complement: SCN1A is on the minus strand). VCF-style: chr2-165998114-A-G. GRCh37 (hg19) VCF-style: chr2-166854624-A-G.
Other names: c.4316T>C, p.Ile1439Thr (NM_001165964.3, NM_001353957.2, NM_001353958.2); c.4400T>C, p.Ile1467Thr (NM_001202435.3, NM_001353948.2); c.4367T>C, p.Ile1456Thr (NM_001353949.2, NM_001353950.2, NM_001353951.2 and 2 more transcripts); c.4364T>C, p.Ile1455Thr (NM_001353954.2, NM_001353955.2); c.4313T>C, p.Ile1438Thr (NM_001353960.2); c.1958T>C, p.Ile653Thr (NM_001353961.2); short protein forms I1438T, I1439T, I1455T, I1456T, I1467T, I653T.
Identifiers: ClinVar variation 3360888 (VCV003360888.1).
Genomic context (GRCh38, chr2:165,998,114, plus strand): 5'-TTGAAATTATCTATGATGACACCAATAAACAGGTTCAAGGTGAAGAAGGACCCAAAGATG[A>G]TGAAAATAACAAAGTAAAGATACATGTACAGACTTTCTTCATACTTAGGCTGGAGTTCCA-3'
Protein context (NP_001159435.1, residues 1457-1477): LYMYLYFVIF[Ile1467Thr]IFGSFFTLNL